The following is an entry in ClinVar:

NM_002240.5(KCNJ6):c.1129_1130delinsAA (p.Ala377Lys)

Genes: KCNJ6 (potassium inwardly rectifying channel subfamily J member 6; minus strand), KCNJ6-AS1 (KCNJ6 antisense RNA 1; plus strand). Cytogenetic location: 21q22.13.
Variant type: Indel.
Coding change: c.1129_1130delinsAA on transcript NM_002240.5 (MANE Select); coding-DNA positions 1129 to 1130, GC replaced by AA.
Protein change: p.Ala377Lys; replaces alanine 377 with lysine.
Molecular consequence: missense variant.
Genome position (GRCh38, 1-based): chr21:37,625,301-37,625,302, GC replaced by TT on the plus strand (GC replaced by AA on the coding strand, the reverse complement: KCNJ6 is on the minus strand). VCF-style: chr21-37625301-GC-TT. GRCh37 (hg19) VCF-style: chr21-38997603-GC-TT.
Other names: short protein forms A377K.
Identifiers: ClinVar variation 3252214 (VCV003252214.1), dbSNP rs2518150221.
Genomic context (GRCh38, chr21:37,625,301, plus strand): 5'-GTCTCCAGTTCTGCATGTTGGTTGAGTTTGCTGGATACAGACCAACTCAGGGGCAGCTCT[GC>TT]CCTGCTGGCTAACTCGGCCAGCTCTTTGGCACTAAGGGATGGGGTGCTGGTCTCATAGGT-3'
Protein context (NP_002231.1, residues 367-387): AKELAELASR[Ala377Lys]ELPLSWSVSS

ClinVar aggregate classification (germline): Uncertain significance (1 of 4 stars; one submission).

Submission:

GeneDx
Classification: Uncertain significance. Last evaluated: 2023-12-09. Review status: criteria provided, single submitter. Criteria: GeneDx Variant Classification Process June 2021. Collection method: clinical testing. Allele origin: germline. Affected: yes.
Comment: Not observed at significant frequency in large population cohorts (gnomAD); In silico analysis supports a deleterious effect on protein structure/function; Has not been previously published as pathogenic or benign to our knowledge